The following is an entry in ClinVar:

NM_015272.5(RPGRIP1L):c.1895T>G (p.Phe632Cys)

Gene: RPGRIP1L (RPGRIP1 like; minus strand). Cytogenetic location: 16q12.2.
Variant type: single nucleotide variant.
Coding change: c.1895T>G on transcript NM_015272.5 (MANE Select); coding-DNA position 1895, T replaced by G.
Protein change: p.Phe632Cys; replaces phenylalanine 632 with cysteine.
Molecular consequence: missense variant.
Genome position (GRCh38, 1-based): chr16:53,652,792, A>C on the plus strand (T>G on the coding strand, the complement: RPGRIP1L is on the minus strand). VCF-style: chr16-53652792-A-C. GRCh37 (hg19) VCF-style: chr16-53686704-A-C.
Other names: c.1895T>G, p.Phe632Cys (NM_001127897.4, NM_001308334.3, NM_001330538.2); short protein forms F632C.
Identifiers: ClinVar variation 843096 (VCV000843096.6), dbSNP rs1381232476, ClinGen allele CA395917090.
Genomic context (GRCh38, chr16:53,652,792, plus strand): 5'-TGAAGGCCTCGCACTACGGGAGTTGTCTGTAGTTCAAAATCATAGAAAGCATAGGTACAG[A>C]AAGTGACAGGCTCTTTATCTCCAGATGCCTGTAAAACTTCAGAAGAAAAGGTTACTTTGT-3'
Protein context (NP_056087.2, residues 622-642): QASGDKEPVT[Phe632Cys]CTYAFYDFEL

ClinVar aggregate classification (germline): Uncertain significance. Review status: criteria provided, single submitter (1 of 4 stars). 2 submissions from 2 submitters: Uncertain significance (1). 1 of the submissions does not count toward it. Last evaluated 2022-07-05.

Conditions:
Meckel-Gruber syndrome. Also called: DYSENCEPHALIA SPLANCHNOCYSTICA; GRUBER SYNDROME; Dysencephalia splachnocystica. Identifiers: Orphanet 564, MedGen C0265215, MONDO:0018921.
Joubert syndrome. Also called: CEREBELLOPARENCHYMAL DISORDER IV; JOUBERT-BOLTSHAUSER SYNDROME; Familial aplasia of the vermis. Identifiers: Orphanet 475, MedGen C5979921, MONDO:0018772.

Allele frequency attached by ClinVar (database versions not stated): TOPMed below 0.00001; gnomAD 0.00001.
gnomAD v4.1: 1 of 1,614,040 alleles (0.000062%); highest among the groups gnomAD compares: African/African-American, 0.0013%; no homozygotes.

Submissions (2):

Labcorp Genetics (formerly Invitae), Labcorp
Classification: Uncertain significance for Joubert syndrome; Meckel-Gruber syndrome. Last evaluated: 2022-07-05. Review status: criteria provided, single submitter. Criteria: Invitae Variant Classification Sherloc (09022015). Collection method: clinical testing. Allele origin: germline.
Comment: This sequence change replaces phenylalanine, which is neutral and non-polar, with cysteine, which is neutral and slightly polar, at codon 632 of the RPGRIP1L protein (p.Phe632Cys). This variant is not present in population databases (gnomAD no frequency). This variant has not been reported in the literature in individuals affected with RPGRIP1L-related conditions. ClinVar contains an entry for this variant (Variation ID: 843096). Algorithms developed to predict the effect of missense changes on protein structure and function (SIFT, PolyPhen-2, Align-GVGD) all suggest that this variant is likely to be disruptive. In summary, the available evidence is currently insufficient to determine the role of this variant in disease. Therefore, it has been classified as a Variant of Uncertain Significance.

Natera, Inc.
Classification: Uncertain significance for Joubert syndrome. Last evaluated: 2021-10-13. Review status: no assertion criteria provided. Collection method: clinical testing. Allele origin: germline. Not counted in ClinVar's aggregate classification.